The following is an entry in ClinVar:

NM_001853.4(COL9A3):c.79-1G>A

Gene: COL9A3 (collagen type IX alpha 3 chain; plus strand). Cytogenetic location: 20q13.33.
Variant type: single nucleotide variant.
Coding change: c.79-1G>A on transcript NM_001853.4 (MANE Select); the canonical splice acceptor site of the intron before coding-DNA position 79, G replaced by A.
Molecular consequence: splice acceptor variant.
Genome position (GRCh38, 1-based): chr20:62,817,566, G>A. VCF-style: chr20-62817566-G-A. GRCh37 (hg19) VCF-style: chr20-61448918-G-A.
Identifiers: ClinVar variation 1380072 (VCV001380072.6), dbSNP rs994690578, ClinGen allele CA317319350.
Genomic context (GRCh38, chr20:62,817,566, plus strand): 5'-GGGACGCCGGGTCAGGCCCACGGGGGCACCTGCGCTCCTTAATGAGTTTTCTCCGTTTCA[G>A]AGAGTGGGACTCCCCGGCCCCCCCGGCCCCCCAGGGCCGCCCGGGAAGCCCGGCCAGGAC-3'

ClinVar aggregate classification (germline): Uncertain significance (1 of 4 stars; one submission).

Submission:

Labcorp Genetics (formerly Invitae), Labcorp
Classification: Uncertain significance. Last evaluated: 2025-07-07. Review status: criteria provided, single submitter. Criteria: Invitae Variant Classification Sherloc (09022015). Collection method: clinical testing. Allele origin: germline.
Comment: This sequence change affects an acceptor splice site in intron 1 of the COL9A3 gene. It is expected to disrupt RNA splicing. Variants that disrupt the donor or acceptor splice site typically lead to a loss of protein function (PMID: 16199547), however the current clinical and genetic evidence is not sufficient to establish whether loss-of-function variants in COL9A3 cause disease. This variant is not present in population databases (gnomAD no frequency). This variant has not been reported in the literature in individuals affected with COL9A3-related conditions. ClinVar contains an entry for this variant (Variation ID: 1380072). Algorithms developed to predict the effect of sequence changes on RNA splicing suggest that this variant may disrupt the consensus splice site. In summary, the available evidence is currently insufficient to determine the role of this variant in disease. Therefore, it has been classified as a Variant of Uncertain Significance.

Literature cited by the submitters: PubMed 16199547.